The following is an entry in ClinVar:

ClinVar aggregate classification (germline): Uncertain significance (1 of 4 stars; one submission).

gnomAD v4.1: 1 of 1,614,028 alleles (0.000062%); no homozygotes.

Submission:

GeneDx
Classification: Uncertain significance. Last evaluated: 2024-02-08. Review status: criteria provided, single submitter. Criteria: GeneDx Variant Classification Process June 2021. Collection method: clinical testing. Allele origin: germline. Affected: yes.
Comment: Not observed at significant frequency in large population cohorts (gnomAD); In silico analysis supports that this missense variant has a deleterious effect on protein structure/function; Has not been previously published as pathogenic or benign to our knowledge

NM_004958.4(MTOR):c.2759C>T (p.Ser920Phe)

Gene: MTOR (mechanistic target of rapamycin kinase; minus strand). Cytogenetic location: 1p36.22.
Variant type: single nucleotide variant.
Coding change: c.2759C>T on transcript NM_004958.4 (MANE Select); coding-DNA position 2759, C replaced by T.
Protein change: p.Ser920Phe; replaces serine 920 with phenylalanine.
Molecular consequence: missense variant.
Genome position (GRCh38, 1-based): chr1:11,230,945, G>A on the plus strand (C>T on the coding strand, the complement: MTOR is on the minus strand). VCF-style: chr1-11230945-G-A. GRCh37 (hg19) VCF-style: chr1-11291002-G-A.
Other names: c.2759C>T, p.Ser920Phe (NM_001386500.1); c.1511C>T, p.Ser504Phe (NM_001386501.1); short protein forms S504F, S920F.
Identifiers: ClinVar variation 3368899 (VCV003368899.1).